The following is an entry in ClinVar:

NM_014727.3(KMT2B):c.3643-3C>T

Gene: KMT2B (lysine methyltransferase 2B; plus strand). Cytogenetic location: 19q13.12.
Variant type: single nucleotide variant.
Coding change: c.3643-3C>T on transcript NM_014727.3 (MANE Select); 3 bases into the intron before coding-DNA position 3643, C replaced by T.
Molecular consequence: intron variant.
Genome position (GRCh38, 1-based): chr19:35,725,476, C>T. VCF-style: chr19-35725476-C-T. GRCh37 (hg19) VCF-style: chr19-36216377-C-T.
Identifiers: ClinVar variation 2981864 (VCV002981864.3), dbSNP rs2513331087, ClinGen allele CA2576756948.

ClinVar aggregate classification (germline): Uncertain significance (1 of 4 stars; one submission).

Submission:

Labcorp Genetics (formerly Invitae), Labcorp
Classification: Uncertain significance. Last evaluated: 2023-07-17. Review status: criteria provided, single submitter. Criteria: Invitae Variant Classification Sherloc (09022015). Collection method: clinical testing. Allele origin: germline.
Comment: In summary, the available evidence is currently insufficient to determine the role of this variant in disease. Therefore, it has been classified as a Variant of Uncertain Significance. Variants that disrupt the consensus splice site are a relatively common cause of aberrant splicing (PMID: 17576681, 9536098). Algorithms developed to predict the effect of sequence changes on RNA splicing suggest that this variant is not likely to affect RNA splicing. This variant has not been reported in the literature in individuals affected with KMT2B-related conditions. This variant is not present in population databases (gnomAD no frequency). This sequence change falls in intron 11 of the KMT2B gene. It does not directly change the encoded amino acid sequence of the KMT2B protein. It affects a nucleotide within the consensus splice site.

Literature cited by the submitters: PubMed 17576681; PubMed 9536098.